The following is an entry in ClinVar:

NM_004706.4(ARHGEF1):c.253G>C (p.Gly85Arg)

Gene: ARHGEF1 (Rho guanine nucleotide exchange factor 1; plus strand). Cytogenetic location: 19q13.2.
Variant type: single nucleotide variant.
Coding change: c.253G>C on transcript NM_004706.4 (MANE Select); coding-DNA position 253, G replaced by C.
Protein change: p.Gly85Arg; replaces glycine 85 with arginine.
Molecular consequence: missense variant. On other transcripts: non-coding transcript variant (2), intron variant (3).
Genome position (GRCh38, 1-based): chr19:41,892,052, G>C. VCF-style: chr19-41892052-G-C. GRCh37 (hg19) VCF-style: chr19-42396123-G-C.
Other names: c.253G>C, p.Gly85Arg (NM_001396000.1, NM_001396003.1, NM_001396006.1); c.298G>C, p.Gly100Arg (NM_199002.2); c.226-279G>C (NM_001396002.1, NM_198977.2, NM_001396004.1); short protein forms G100R, G85R.
Identifiers: ClinVar variation 3612015 (VCV003612015.2).

ClinVar aggregate classification (germline): Uncertain significance (1 of 4 stars; one submission).

gnomAD v4.1: 3 of 1,612,152 alleles (0.00019%); highest among the groups gnomAD compares: Non-Finnish European, 0.00025%; no homozygotes.

Submission:

Labcorp Genetics (formerly Invitae), Labcorp
Classification: Uncertain significance. Last evaluated: 2025-01-29. Review status: criteria provided, single submitter. Criteria: Invitae Variant Classification Sherloc (09022015). Collection method: clinical testing. Allele origin: germline.
Comment: This sequence change replaces glycine, which is neutral and non-polar, with arginine, which is basic and polar, at codon 100 of the ARHGEF1 protein (p.Gly100Arg). This variant is not present in population databases (gnomAD no frequency). This variant has not been reported in the literature in individuals affected with ARHGEF1-related conditions. An algorithm developed to predict the effect of missense changes on protein structure and function (PolyPhen-2) suggests that this variant is likely to be tolerated. In summary, the available evidence is currently insufficient to determine the role of this variant in disease. Therefore, it has been classified as a Variant of Uncertain Significance.